The following is an entry in ClinVar:

NM_003070.5(SMARCA2):c.3770A>C (p.Asp1257Ala)

Gene: SMARCA2 (SWI/SNF related BAF chromatin remodeling complex subunit ATPase 2; plus strand). Cytogenetic location: 9p24.3.
Variant type: single nucleotide variant.
Coding change: c.3770A>C on transcript NM_003070.5 (MANE Select); coding-DNA position 3770, A replaced by C.
Protein change: p.Asp1257Ala; replaces aspartic acid 1257 with alanine.
Molecular consequence: missense variant.
Genome position (GRCh38, 1-based): chr9:2,123,726, A>C. VCF-style: chr9-2123726-A-C. GRCh37 (hg19) VCF-style: chr9-2123726-A-C.
Other names: c.3770A>C, p.Asp1257Ala (NM_001289396.2, NM_139045.4); c.3596A>C, p.Asp1199Ala (NM_001289397.2); short protein forms D1257A, D1199A.
Identifiers: ClinVar variation 2760145 (VCV002760145.3), dbSNP rs2537419938, ClinGen allele CA372790161.

ClinVar aggregate classification (germline): Uncertain significance (1 of 4 stars; one submission).

Submission:

Labcorp Genetics (formerly Invitae), Labcorp
Classification: Uncertain significance. Last evaluated: 2025-03-10. Review status: criteria provided, single submitter. Criteria: Invitae Variant Classification Sherloc (09022015). Collection method: clinical testing. Allele origin: germline.
Comment: This sequence change replaces aspartic acid, which is acidic and polar, with alanine, which is neutral and non-polar, at codon 1257 of the SMARCA2 protein (p.Asp1257Ala). This variant is not present in population databases (gnomAD no frequency). This variant has not been reported in the literature in individuals affected with SMARCA2-related conditions. ClinVar contains an entry for this variant (Variation ID: 2760145). Invitae Evidence Modeling of protein sequence and biophysical properties (such as structural, functional, and spatial information, amino acid conservation, physicochemical variation, residue mobility, and thermodynamic stability) indicates that this missense variant is expected to disrupt SMARCA2 protein function with a positive predictive value of 80%. In summary, the available evidence is currently insufficient to determine the role of this variant in disease. Therefore, it has been classified as a Variant of Uncertain Significance.